The following is an entry in ClinVar:

NM_001085.5(SERPINA3):c.754C>G (p.Pro252Ala)

Gene: SERPINA3 (serpin family A member 3; plus strand). Cytogenetic location: 14q32.13.
Variant type: single nucleotide variant.
Coding change: c.754C>G on transcript NM_001085.5 (MANE Select); coding-DNA position 754, C replaced by G.
Protein change: p.Pro252Ala; replaces proline 252 with alanine.
Molecular consequence: missense variant.
Genome position (GRCh38, 1-based): chr14:94,619,305, C>G. VCF-style: chr14-94619305-C-G. GRCh37 (hg19) VCF-style: chr14-95085642-C-G.
Other names: P229A; short protein forms P252A.
Identifiers: ClinVar variation 18050 (VCV000018050.32), dbSNP rs17473, ClinGen allele CA127757.

ClinVar aggregate classification (germline): Likely benign. Review status: criteria provided, multiple submitters, no conflicts (2 of 4 stars). 6 submissions from 6 submitters: Likely benign (4). 2 of the submissions do not count toward it. Last evaluated 2022-12-01.

Conditions:
SERPINA3-related disorder. Also called: SERPINA3-related condition.
Antichymotrypsin deficiency-alpha-1. Identifiers: MedGen C0400965.
ANTICHYMOTRYPSIN BONN 1.

Allele frequency attached by ClinVar (database versions not stated): 1000 Genomes Project 0.00120; 1000 Genomes Project 30x 0.00141; TOPMed 0.00298; gnomAD 0.00310 and 0.00322.
gnomAD v4.1: 7,362 of 1,614,150 alleles (0.46%); highest among the groups gnomAD compares: Non-Finnish European, 0.59%; 20 homozygotes.

Submissions (6):

CeGaT Center for Human Genetics Tuebingen
Classification: Likely benign. Last evaluated: 2022-12-01. Review status: criteria provided, single submitter. Criteria: CeGaT Center For Human Genetics Tuebingen Variant Classification Criteria Version 2. Collection method: clinical testing. Allele origin: germline. Affected: yes. Observed: 2 variant alleles.
Comment: SERPINA3: PP3, BS1

Department of Pathology and Laboratory Medicine, Sinai Health System
Classification: Likely benign for Alpha-1-antichymotrypsin deficiency. Last evaluated: 2022-09-27. Review status: criteria provided, single submitter. Criteria: ACMG Guidelines, 2015. Collection method: research. Allele origin: germline.

GeneDx
Classification: Likely benign. Last evaluated: 2022-08-10. Review status: criteria provided, single submitter. Criteria: GeneDx Variant Classification Process June 2021. Collection method: clinical testing. Allele origin: germline. Affected: yes.
Comment: See Variant Classification Assertion Criteria.

Breakthrough Genomics
Classification: Likely benign. Review status: criteria provided, single submitter. Criteria: ACMG Guidelines, 2015. Collection method: not provided. Allele origin: germline. Inheritance: Unknown mechanism. Affected: yes.

PreventionGenetics, part of Exact Sciences
Classification: Likely benign for SERPINA3-related condition. Last evaluated: 2023-05-17. Review status: no assertion criteria provided. Collection method: clinical testing. Allele origin: germline. Not counted in ClinVar's aggregate classification.
Comment: This variant is classified as likely benign based on ACMG/AMP sequence variant interpretation guidelines (Richards et al. 2015 PMID: 25741868, with internal and published modifications).

OMIM
Classification: Pathogenic for ANTICHYMOTRYPSIN BONN 1. Last evaluated: 1993-09-04. Review status: no assertion criteria provided. Collection method: literature only. Allele origin: germline. Not counted in ClinVar's aggregate classification.

Literature cited by the submitters: PubMed 8244391 (cited by OMIM); PubMed 1351206 (cited by OMIM); PubMed 8102759 (cited by OMIM).